The following is an entry in ClinVar:

ClinVar aggregate classification (germline): Uncertain significance (1 of 4 stars; one submission).

Submission:

Ambry Genetics
Classification: Uncertain significance. Last evaluated: 2023-06-05. Review status: criteria provided, single submitter. Criteria: Ambry Variant Classification Scheme 2023. Collection method: clinical testing. Allele origin: germline.
Comment: The p.R395K variant (also known as c.1184G>A), located in coding exon 11 of the RAD54L gene, results from a G to A substitution at nucleotide position 1184. The arginine at codon 395 is replaced by lysine, an amino acid with highly similar properties. This amino acid position is conserved. In addition, this alteration is predicted to be deleterious by in silico analysis. Since supporting evidence is limited at this time, the clinical significance of this alteration remains unclear.

NM_003579.4(RAD54L):c.1184G>A (p.Arg395Lys)

Gene: RAD54L (RAD54 like; plus strand). Cytogenetic location: 1p34.1.
Variant type: single nucleotide variant.
Coding change: c.1184G>A on transcript NM_003579.4 (MANE Select); coding-DNA position 1184, G replaced by A.
Protein change: p.Arg395Lys; replaces arginine 395 with lysine.
Molecular consequence: missense variant.
Genome position (GRCh38, 1-based): chr1:46,272,480, G>A. VCF-style: chr1-46272480-G-A. GRCh37 (hg19) VCF-style: chr1-46738152-G-A.
Other names: c.1184G>A, p.Arg395Lys (NM_001142548.2); c.644G>A, p.Arg215Lys (NM_001370766.1); short protein forms R215K, R395K.
Identifiers: ClinVar variation 2562811 (VCV002562811.2), dbSNP rs2525706684, ClinGen allele CA340176852.